The following is an entry in ClinVar:

NM_001709.5(BDNF):c.*4A>G

Genes: BDNF (brain derived neurotrophic factor; minus strand), BDNF-AS (BDNF antisense RNA; plus strand). Cytogenetic location: 11p14.1.
Variant type: single nucleotide variant.
Coding change: c.*4A>G on transcript NM_001709.5 (MANE Select); 4 bases downstream of the stop codon, A replaced by G.
Molecular consequence: 3 prime UTR variant.
Genome position (GRCh38, 1-based): chr11:27,657,817, T>C on the plus strand (A>G on the coding strand, the complement: BDNF is on the minus strand). VCF-style: chr11-27657817-T-C. GRCh37 (hg19) VCF-style: chr11-27679364-T-C.
Other names: c.*4A>G (NM_001143805.1, NM_001143806.1, NM_001143807.2 and 13 more transcripts).
Identifiers: ClinVar variation 3353313 (VCV003353313.1).
Genomic context (GRCh38, chr11:27,657,817, plus strand): 5'-TATGTATATATACAAATAGATAATTTTTGTCTCAATATAATCTAATCTATACAACATAAA[T>C]CCACTATCTTCCCCTTTTAATGGTCAATGTACATACACAAGAAGTGTCTATCCTTATGAA-3'

ClinVar aggregate classification (germline): Likely benign (0 of 4 stars; one submission).

Conditions:
BDNF-related disorder. Also called: BDNF-related condition.

gnomAD v4.1: 11 of 1,612,428 alleles (0.00068%); highest among the groups gnomAD compares: Non-Finnish European, 0.00093%; no homozygotes.

Submission:

PreventionGenetics, part of Exact Sciences
Classification: Likely benign for BDNF-related condition. Last evaluated: 2023-10-02. Review status: no assertion criteria provided. Collection method: clinical testing. Allele origin: germline.
Comment: This variant is classified as likely benign based on ACMG/AMP sequence variant interpretation guidelines (Richards et al. 2015 PMID: 25741868, with internal and published modifications).